The following is an entry in ClinVar:

ClinVar aggregate classification (germline): Uncertain significance. Review status: criteria provided, multiple submitters, no conflicts (2 of 4 stars). 3 submissions from 3 submitters: Uncertain significance (3). Last evaluated 2025-10-01.

Conditions:
Hereditary cancer-predisposing syndrome. Also called: Tumor predisposition; Hereditary Cancer Syndrome; Hereditary neoplastic syndrome; Neoplastic Syndromes, Hereditary. Identifiers: Orphanet 140162, MedGen C0027672, MeSH D009386, MONDO:0015356.
POLD1-related polyposis and colorectal cancer syndrome (CRCS10). Also called: Colorectal cancer 10; COLORECTAL CANCER, SUSCEPTIBILITY TO, ON CHROMOSOME 19q; Colorectal cancer, susceptibility to, 10. Identifiers: Orphanet 220460, MedGen C2675481, MONDO:0012953, OMIM 612591.

Allele frequency attached by ClinVar (database versions not stated): TOPMed below 0.00001; gnomAD 0.00001.
gnomAD v4.1: 1 of 1,612,648 alleles (0.000062%); highest among the groups gnomAD compares: African/African-American, 0.0013%; no homozygotes.

Submissions (3):

Ambry Genetics
Classification: Uncertain significance for Hereditary cancer-predisposing syndrome. Last evaluated: 2025-10-01. Review status: criteria provided, single submitter. Criteria: Ambry Variant Classification Scheme 2023. Collection method: clinical testing. Allele origin: germline.
Comment: The p.G577D variant (also known as c.1730G>A), located in coding exon 13 of the POLD1 gene, results from a G to A substitution at nucleotide position 1730. The glycine at codon 577 is replaced by aspartic acid, an amino acid with similar properties. This amino acid position is conserved. In addition, this alteration is predicted to be tolerated by in silico analysis. Since supporting evidence is limited at this time, the clinical significance of this alteration remains unclear.

Labcorp Genetics (formerly Invitae), Labcorp
Classification: Uncertain significance for POLD1-related polyposis and colorectal cancer syndrome. Last evaluated: 2023-07-17. Review status: criteria provided, single submitter. Criteria: Invitae Variant Classification Sherloc (09022015). Collection method: clinical testing. Allele origin: germline.
Comment: This variant is not present in population databases (gnomAD no frequency). In summary, the available evidence is currently insufficient to determine the role of this variant in disease. Therefore, it has been classified as a Variant of Uncertain Significance. Advanced modeling of protein sequence and biophysical properties (such as structural, functional, and spatial information, amino acid conservation, physicochemical variation, residue mobility, and thermodynamic stability) performed at Invitae indicates that this missense variant is not expected to disrupt POLD1 protein function. ClinVar contains an entry for this variant (Variation ID: 1009613). This variant has not been reported in the literature in individuals affected with POLD1-related conditions. This sequence change replaces glycine, which is neutral and non-polar, with aspartic acid, which is acidic and polar, at codon 577 of the POLD1 protein (p.Gly577Asp).

GeneDx
Classification: Uncertain significance. Last evaluated: 2023-05-10. Review status: criteria provided, single submitter. Criteria: GeneDx Variant Classification Process June 2021. Collection method: clinical testing. Allele origin: germline. Affected: yes.
Comment: Not observed at significant frequency in large population cohorts (gnomAD); In silico analysis supports that this missense variant does not alter protein structure/function; Has not been previously published as pathogenic or benign to our knowledge

NM_002691.4(POLD1):c.1730G>A (p.Gly577Asp)

Gene: POLD1 (DNA polymerase delta 1, catalytic subunit; plus strand). Cytogenetic location: 19q13.33.
Variant type: single nucleotide variant.
Coding change: c.1730G>A on transcript NM_002691.4 (MANE Select); coding-DNA position 1730, G replaced by A.
Protein change: p.Gly577Asp; replaces glycine 577 with aspartic acid.
Molecular consequence: missense variant. On other transcripts: non-coding transcript variant (1).
Genome position (GRCh38, 1-based): chr19:50,407,370, G>A. VCF-style: chr19-50407370-G-A. GRCh37 (hg19) VCF-style: chr19-50910627-G-A.
Other names: c.1730G>A, p.Gly577Asp (NM_001256849.1, NM_001308632.1); c.1730G>A (NM_002691.3, NM_002691.2); short protein forms G577D.
Identifiers: ClinVar variation 1009613 (VCV001009613.12), dbSNP rs1181610918, ClinGen allele CA406981256.